The following is an entry in ClinVar:

NM_001330.5(CTF1):c.482C>T (p.Ala161Val)

Genes: CTF1 (cardiotrophin 1; plus strand), LOC130058878 (ATAC-STARR-seq lymphoblastoid silent region 7400; plus strand). Cytogenetic location: 16p11.2.
Variant type: single nucleotide variant.
Coding change: c.482C>T on transcript NM_001330.5 (MANE Select); coding-DNA position 482, C replaced by T.
Protein change: p.Ala161Val; replaces alanine 161 with valine.
Molecular consequence: missense variant. On other transcripts: non-coding transcript variant (1).
Genome position (GRCh38, 1-based): chr16:30,902,415, C>T. VCF-style: chr16-30902415-C-T. GRCh37 (hg19) VCF-style: chr16-30913736-C-T.
Other names: c.479C>T, p.Ala160Val (NM_001142544.3); short protein forms A161V, A160V.
Identifiers: ClinVar variation 3678915 (VCV003678915.2).

ClinVar aggregate classification (germline): Uncertain significance (1 of 4 stars; one submission).

Submission:

Labcorp Genetics (formerly Invitae), Labcorp
Classification: Uncertain significance. Last evaluated: 2024-04-15. Review status: criteria provided, single submitter. Criteria: Invitae Variant Classification Sherloc (09022015). Collection method: clinical testing. Allele origin: germline.
Comment: This sequence change replaces alanine, which is neutral and non-polar, with valine, which is neutral and non-polar, at codon 161 of the CTF1 protein (p.Ala161Val). This variant is not present in population databases (gnomAD no frequency). This variant has not been reported in the literature in individuals affected with CTF1-related conditions. An algorithm developed to predict the effect of missense changes on protein structure and function (PolyPhen-2) suggests that this variant is likely to be disruptive. In summary, the available evidence is currently insufficient to determine the role of this variant in disease. Therefore, it has been classified as a Variant of Uncertain Significance.